The following is an entry in ClinVar:

NM_001370.2(DNAH6):c.7064A>G (p.Asn2355Ser)

Gene: DNAH6 (dynein axonemal heavy chain 6; plus strand). Cytogenetic location: 2p11.2.
Variant type: single nucleotide variant.
Coding change: c.7064A>G on transcript NM_001370.2 (MANE Select); coding-DNA position 7064, A replaced by G.
Protein change: p.Asn2355Ser; replaces asparagine 2355 with serine.
Molecular consequence: missense variant.
Genome position (GRCh38, 1-based): chr2:84,686,484, A>G. VCF-style: chr2-84686484-A-G. GRCh37 (hg19) VCF-style: chr2-84913608-A-G.
Other names: short protein forms N2355S.
Identifiers: ClinVar variation 3352973 (VCV003352973.1).

ClinVar aggregate classification (germline): Likely benign (0 of 4 stars; one submission).

Conditions:
DNAH6-related disorder. Also called: DNAH6-related condition.

gnomAD v4.1: 431 of 1,516,590 alleles (0.028%); highest among the groups gnomAD compares: South Asian, 0.49%; 5 homozygotes.

Submission:

PreventionGenetics, part of Exact Sciences
Classification: Likely benign for DNAH6-related condition. Last evaluated: 2024-04-03. Review status: no assertion criteria provided. Collection method: clinical testing. Allele origin: germline.
Comment: This variant is classified as likely benign based on ACMG/AMP sequence variant interpretation guidelines (Richards et al. 2015 PMID: 25741868, with internal and published modifications).